The following is an entry in ClinVar:

ClinVar aggregate classification (germline): Uncertain significance. Review status: criteria provided, multiple submitters, no conflicts (2 of 4 stars). 2 submissions from 2 submitters: Uncertain significance (2). Last evaluated 2025-07-04.

Conditions:
Inborn genetic diseases. Identifiers: MedGen C0950123, MeSH D030342.

gnomAD v4.1: 5 of 1,614,154 alleles (0.00031%); highest among the groups gnomAD compares: Non-Finnish European, 0.00042%; no homozygotes.

Submissions (2):

Ambry Genetics
Classification: Uncertain significance for Inborn genetic diseases. Last evaluated: 2025-07-04. Review status: criteria provided, single submitter. Criteria: Ambry Variant Classification Scheme 2023. Collection method: clinical testing. Allele origin: germline.

Labcorp Genetics (formerly Invitae), Labcorp
Classification: Uncertain significance. Last evaluated: 2025-03-13. Review status: criteria provided, single submitter. Criteria: Invitae Variant Classification Sherloc (09022015). Collection method: clinical testing. Allele origin: germline.
Comment: This sequence change replaces lysine, which is basic and polar, with glutamine, which is neutral and polar, at codon 3233 of the KMT2A protein (p.Lys3233Gln). This variant is not present in population databases (gnomAD no frequency). This variant has not been reported in the literature in individuals affected with KMT2A-related conditions. Invitae Evidence Modeling of protein sequence and biophysical properties (such as structural, functional, and spatial information, amino acid conservation, physicochemical variation, residue mobility, and thermodynamic stability) indicates that this missense variant is not expected to disrupt KMT2A protein function with a negative predictive value of 95%. In summary, the available evidence is currently insufficient to determine the role of this variant in disease. Therefore, it has been classified as a Variant of Uncertain Significance.

NM_001197104.2(KMT2A):c.9697A>C (p.Lys3233Gln)

Gene: KMT2A (lysine methyltransferase 2A; plus strand). Cytogenetic location: 11q23.3.
Variant type: single nucleotide variant.
Coding change: c.9697A>C on transcript NM_001197104.2 (MANE Select); coding-DNA position 9697, A replaced by C.
Protein change: p.Lys3233Gln; replaces lysine 3233 with glutamine.
Molecular consequence: missense variant.
Genome position (GRCh38, 1-based): chr11:118,505,589, A>C. VCF-style: chr11-118505589-A-C. GRCh37 (hg19) VCF-style: chr11-118376304-A-C.
Other names: c.9787A>C, p.Lys3263Gln (NM_001412597.1); c.9688A>C, p.Lys3230Gln (NM_005933.4); short protein forms K3230Q, K3233Q, K3263Q.
Identifiers: ClinVar variation 3616595 (VCV003616595.3).